The following is an entry in ClinVar:

ClinVar aggregate classification (germline): Uncertain significance. Review status: criteria provided, multiple submitters, no conflicts (2 of 4 stars). 2 submissions from 2 submitters: Uncertain significance (2). Last evaluated 2025-05-11.

Conditions:
Blau syndrome (BLAUS). Also called: GRANULOMATOSIS, FAMILIAL JUVENILE SYSTEMIC; GRANULOMATOSIS, FAMILIAL, BLAU TYPE; GRANULOMATOUS INFLAMMATORY ARTHRITIS, DERMATITIS, AND UVEITIS, FAMILIAL; JABS SYNDROME; ARTHROCUTANEOUVEAL GRANULOMATOSIS. Identifiers: Orphanet 90340, MedGen C5201146, MONDO:0008523, OMIM 186580.
Regional enteritis. Also called: Enteritis, Granulomatous. Identifiers: MedGen C0678202, MeSH D003424.

Allele frequency attached by ClinVar (database versions not stated): gnomAD 0.00001; gnomAD exomes 0.00001; ExAC 0.00002.

Submissions (3):

Mayo Clinic Laboratories, Mayo Clinic
Classification: Uncertain significance. Last evaluated: 2025-05-11. Review status: criteria provided, single submitter. Criteria: ACMG Guidelines, 2015. Collection method: clinical testing. Allele origin: germline. Observed: 1 variant allele.

Labcorp Genetics (formerly Invitae), Labcorp
Classification: Uncertain significance for Regional enteritis; Blau syndrome. Last evaluated: 2024-04-08. Review status: criteria provided, single submitter. Criteria: Invitae Variant Classification Sherloc (09022015). Collection method: clinical testing. Allele origin: germline.
Comment: This sequence change affects codon 842 of the NOD2 mRNA. It is a 'silent' change, meaning that it does not change the encoded amino acid sequence of the NOD2 protein. This variant is present in population databases (rs778447050, gnomAD 0.003%). This variant has not been reported in the literature in individuals affected with NOD2-related conditions. ClinVar contains an entry for this variant (Variation ID: 1018796). Algorithms developed to predict the effect of sequence changes on RNA splicing suggest that this variant may disrupt the consensus splice site. In summary, the available evidence is currently insufficient to determine the role of this variant in disease. Therefore, it has been classified as a Variant of Uncertain Significance.

Dr. Peter K. Rogan Lab, Western University
No classification provided (evidence only). Condition: Uterine corpus endometrial carcinoma. Review status: no classification provided. Collection method: in vitro. Allele origin: not applicable. Functional consequence: retained intron. Not counted in ClinVar's aggregate classification.

NM_001370466.1(NOD2):c.2445C>T (p.Cys815=)

Gene: NOD2 (nucleotide binding oligomerization domain containing 2; plus strand). Cytogenetic location: 16q12.1.
Variant type: single nucleotide variant.
Coding change: c.2445C>T on transcript NM_001370466.1 (MANE Select); coding-DNA position 2445, C replaced by T.
Protein change: p.Cys815=; no amino-acid change (cysteine 815 retained).
Molecular consequence: synonymous variant. On other transcripts: non-coding transcript variant (1).
Genome position (GRCh38, 1-based): chr16:50,716,650, C>T. VCF-style: chr16-50716650-C-T. GRCh37 (hg19) VCF-style: chr16-50750561-C-T.
Other names: p.Cys842=; c.2445C>T, p.Cys815= (NM_001293557.2); c.2526C>T, p.Cys842= (NM_022162.3).
Identifiers: ClinVar variation 1018796 (VCV001018796.11), dbSNP rs778447050, ClinGen allele CA8051814.